The following is an entry in ClinVar:

ClinVar aggregate classification (germline): Uncertain significance. Review status: criteria provided, multiple submitters, no conflicts (2 of 4 stars). 3 submissions from 3 submitters: Uncertain significance (3). Last evaluated 2023-03-01.

Conditions:
Hereditary cancer-predisposing syndrome. Also called: Neoplastic Syndromes, Hereditary; Hereditary neoplastic syndrome; Hereditary Cancer Syndrome; Tumor predisposition. Identifiers: Orphanet 140162, MedGen C0027672, MeSH D009386, MONDO:0015356.
Chuvash polycythemia. Also called: POLYCYTHEMIA, VHL-DEPENDENT. Identifiers: Orphanet 238557, MedGen C1837915, MONDO:0009892, OMIM 263400.
Von Hippel-Lindau syndrome (VHLS). Also called: Von Hippel-Lindau; von Hippel–Lindau syndrome; VHL syndrome. Identifiers: Orphanet 892, MedGen C0019562, MONDO:0008667, OMIM 193300. Disease mechanism: loss of function.

Allele frequency attached by ClinVar (database versions not stated): gnomAD exomes below 0.00001.
gnomAD v4.1: 1 of 1,535,942 alleles (0.000065%); highest among the groups gnomAD compares: Non-Finnish European, 0.000088%; no homozygotes.

Submissions (3):

Ambry Genetics
Classification: Uncertain significance for Hereditary cancer-predisposing syndrome. Last evaluated: 2023-03-01. Review status: criteria provided, single submitter. Criteria: Ambry Variant Classification Scheme 2023. Collection method: clinical testing. Allele origin: germline.
Comment: The p.R4M variant (also known as c.11G>T), located in coding exon 1 of the VHL gene, results from a G to T substitution at nucleotide position 11. The arginine at codon 4 is replaced by methionine, an amino acid with similar properties. This amino acid position is poorly conserved in available vertebrate species. In addition, this alteration is predicted to be tolerated by in silico analysis. Since supporting evidence is limited at this time, the clinical significance of this alteration remains unclear.

Labcorp Genetics (formerly Invitae), Labcorp
Classification: Uncertain significance for Von Hippel-Lindau syndrome; Chuvash polycythemia. Last evaluated: 2022-02-19. Review status: criteria provided, single submitter. Criteria: Invitae Variant Classification Sherloc (09022015). Collection method: clinical testing. Allele origin: germline.
Comment: In summary, the available evidence is currently insufficient to determine the role of this variant in disease. Therefore, it has been classified as a Variant of Uncertain Significance. Advanced modeling of protein sequence and biophysical properties (such as structural, functional, and spatial information, amino acid conservation, physicochemical variation, residue mobility, and thermodynamic stability) performed at Invitae indicates that this missense variant is not expected to disrupt VHL protein function. ClinVar contains an entry for this variant (Variation ID: 342403). This variant has not been reported in the literature in individuals affected with VHL-related conditions. This variant is not present in population databases (gnomAD no frequency). This sequence change replaces arginine, which is basic and polar, with methionine, which is neutral and non-polar, at codon 4 of the VHL protein (p.Arg4Met).

Illumina Laboratory Services, Illumina
Classification: Uncertain significance for Von Hippel-Lindau syndrome. Last evaluated: 2018-01-12. Review status: criteria provided, single submitter. Criteria: ICSL Variant Classification Criteria 13 December 2019. Collection method: clinical testing. Allele origin: germline.

NM_000551.4(VHL):c.11G>T (p.Arg4Met)

Gene: VHL (von Hippel-Lindau tumor suppressor; plus strand). Cytogenetic location: 3p25.3.
Variant type: single nucleotide variant.
Coding change: c.11G>T on transcript NM_000551.4 (MANE Select); coding-DNA position 11, G replaced by T.
Protein change: p.Arg4Met; replaces arginine 4 with methionine.
Molecular consequence: missense variant.
Genome position (GRCh38, 1-based): chr3:10,141,858, G>T. VCF-style: chr3-10141858-G-T. GRCh37 (hg19) VCF-style: chr3-10183542-G-T.
Other names: c.11G>T, p.Arg4Met (NM_001354723.2, NM_198156.3); short protein forms R4M.
Identifiers: ClinVar variation 342403 (VCV000342403.15), dbSNP rs886057703, ClinGen allele CA10616745.
Genomic context (GRCh38, chr3:10,141,858, plus strand): 5'-ACCCGCGGATCCCGCGGCGTCCGGCCCGGGTGGTCTGGATCGCGGAGGGAATGCCCCGGA[G>T]GGCGGAGAACTGGGACGAGGCCGAGGTAGGCGCGGAGGAGGCAGGCGTCGAAGAGTACGG-3'
Protein context (NP_000542.1, residues 1-14): MPR[Arg4Met]AENWDEAEVG